The following is an entry in ClinVar:

ClinVar aggregate classification (germline): Uncertain significance (1 of 4 stars; one submission).

Allele frequency attached by ClinVar (database versions not stated): gnomAD exomes below 0.00001; TOPMed below 0.00001; gnomAD 0.00001.

Submission:

Labcorp Genetics (formerly Invitae), Labcorp
Classification: Uncertain significance. Last evaluated: 2023-09-30. Review status: criteria provided, single submitter. Criteria: Invitae Variant Classification Sherloc (09022015). Collection method: clinical testing. Allele origin: germline.
Comment: In summary, the available evidence is currently insufficient to determine the role of this variant in disease. Therefore, it has been classified as a Variant of Uncertain Significance. Advanced modeling of protein sequence and biophysical properties (such as structural, functional, and spatial information, amino acid conservation, physicochemical variation, residue mobility, and thermodynamic stability) has been performed at Invitae for this missense variant, however the output from this modeling did not meet the statistical confidence thresholds required to predict the impact of this variant on KMT2A protein function. ClinVar contains an entry for this variant (Variation ID: 2097772). This variant has not been reported in the literature in individuals affected with KMT2A-related conditions. The frequency data for this variant in the population databases is considered unreliable, as metrics indicate insufficient coverage at this position in the gnomAD database. This sequence change replaces glycine, which is neutral and non-polar, with glutamic acid, which is acidic and polar, at codon 43 of the KMT2A protein (p.Gly43Glu).

NM_001197104.2(KMT2A):c.128G>A (p.Gly43Glu)

Gene: KMT2A (lysine methyltransferase 2A; plus strand). Cytogenetic location: 11q23.3.
Variant type: single nucleotide variant.
Coding change: c.128G>A on transcript NM_001197104.2 (MANE Select); coding-DNA position 128, G replaced by A.
Protein change: p.Gly43Glu; replaces glycine 43 with glutamic acid.
Molecular consequence: missense variant.
Genome position (GRCh38, 1-based): chr11:118,436,640, G>A. VCF-style: chr11-118436640-G-A. GRCh37 (hg19) VCF-style: chr11-118307355-G-A.
Other names: c.128G>A, p.Gly43Glu (NM_001412597.1, NM_005933.4); short protein forms G43E.
Identifiers: ClinVar variation 2097772 (VCV002097772.2), dbSNP rs1949186238, ClinGen allele CA382797307.
Genomic context (GRCh38, chr11:118,436,640, plus strand): 5'-GGCGCCGGGGCCTAGGGGGCGCCCCGCGGCAACGCGTCCCGGCCCTGCTGCTTCCCCCCG[G>A]GCCCCCGGTCGGCGGTGGCGGCCCCGGGGCGCCCCCCTCCCCCCCGGCTGTGGCGGCCGC-3'
Protein context (NP_001184033.1, residues 33-53): QRVPALLLPP[Gly43Glu]PPVGGGGPGA